The following is an entry in ClinVar:

ClinVar aggregate classification (germline): Likely pathogenic (1 of 4 stars; one submission).

Submission:

Institute for Clinical Genetics, University Hospital TU Dresden, University Hospital TU Dresden
Classification: Likely pathogenic. Last evaluated: 2022-08-01. Review status: criteria provided, single submitter. Criteria: ACMG Guidelines, 2015. Collection method: clinical testing. Allele origin: germline.
Comment: PVS1, PM2_SUP

NM_138615.3(DHX30):c.2359C>T (p.Gln787Ter)

Gene: DHX30 (DExH-box helicase 30; plus strand). Cytogenetic location: 3p21.31.
Variant type: single nucleotide variant.
Coding change: c.2359C>T on transcript NM_138615.3 (MANE Select); coding-DNA position 2359, C replaced by T.
Protein change: p.Gln787Ter; replaces glutamine 787 with a stop codon.
Molecular consequence: nonsense.
Genome position (GRCh38, 1-based): chr3:47,848,252, C>T. VCF-style: chr3-47848252-C-T. GRCh37 (hg19) VCF-style: chr3-47889742-C-T.
Other names: c.2275C>T, p.Gln759Ter (NM_001330990.2); c.2242C>T, p.Gln748Ter (NM_014966.4); short protein forms Q748*, Q759*, Q787*.
Identifiers: ClinVar variation 2576175 (VCV002576175.1), dbSNP rs2549297131, ClinGen allele CA352590396.